The following is an entry in ClinVar:

ClinVar aggregate classification (germline): Benign. Review status: reviewed by expert panel (3 of 4 stars). 2 submissions from 2 submitters: Benign (1). 1 of the submissions does not count toward it. Last evaluated 2015-01-12.

Conditions:
Breast-ovarian cancer, familial, susceptibility to, 2 (BROVCA2). Also called: BRCA2 Hereditary Breast and Ovarian Cancer. Identifiers: Orphanet 145, MedGen C2675520, MONDO:0012933, OMIM 612555. Disease mechanism: loss of function.

Allele frequency attached by ClinVar (database versions not stated): 1000 Genomes Project 0.03794; 1000 Genomes Project 30x 0.04029; TOPMed 0.06653; gnomAD 0.07981; gnomAD exomes 0.09348.

Submissions (2):

Evidence-based Network for the Interpretation of Germline Mutant Alleles (ENIGMA)
Classification: Benign for Breast-ovarian cancer, familial 2. Last evaluated: 2015-01-12. Review status: reviewed by expert panel. Criteria: ENIGMA BRCA1/2 Classification Criteria (2015). Collection method: curation. Allele origin: germline.
Comment: Class 1 not pathogenic based on frequency >1% in an outbred sampleset. Frequency 0.1253 (European), derived from 1000 genomes (2012-04-30).

Breakthrough Genomics
Classification: Benign. Review status: criteria provided, single submitter. Criteria: ACMG Guidelines, 2015. Collection method: not provided. Allele origin: germline. Inheritance: Autosomal recessive inheritance. Affected: yes. Not counted in ClinVar's aggregate classification.

NM_000059.4(BRCA2):c.9256+4958C>A

Gene: BRCA2 (BRCA2 DNA repair associated; plus strand). Cytogenetic location: 13q13.1.
Variant type: single nucleotide variant.
Coding change: c.9256+4958C>A on transcript NM_000059.4 (MANE Select); 4958 bases into the intron after coding-DNA position 9256, C replaced by A.
Molecular consequence: intron variant.
Genome position (GRCh38, 1-based): chr13:32,385,103, C>A. VCF-style: chr13-32385103-C-A. GRCh37 (hg19) VCF-style: chr13-32959240-C-A.
Other names: IVS 24+4958C>A.
Identifiers: ClinVar variation 209869 (VCV000209869.2), dbSNP rs11571789, ClinGen allele CA276837.